The following is an entry in ClinVar:

NM_000097.7(CPOX):c.*475T>A

Gene: CPOX (coproporphyrinogen oxidase; minus strand). Cytogenetic location: 3q11.2.
Variant type: single nucleotide variant.
Coding change: c.*475T>A on transcript NM_000097.7 (MANE Select); 475 bases downstream of the stop codon, T replaced by A.
Molecular consequence: 3 prime UTR variant.
Genome position (GRCh38, 1-based): chr3:98,580,208, A>T on the plus strand (T>A on the coding strand, the complement: CPOX is on the minus strand). VCF-style: chr3-98580208-A-T. GRCh37 (hg19) VCF-style: chr3-98299052-A-T.
Other names: c.*475T>A (LRG_1077t1).
Identifiers: ClinVar variation 346961 (VCV000346961.5), dbSNP rs72924726, ClinGen allele CA10616807.
Genomic context (GRCh38, chr3:98,580,208, plus strand): 5'-ATTTGACAATATTATGTTCTCTGGAGAAAGATATATAAGGATTACAGCAGAGACTTCAGT[A>T]TTGACAAAGTAAAATTTTTACCTTCAAGTTGCATTCTAAAATTACTATGAAGTCTCAACT-3'

ClinVar aggregate classification (germline): Benign (1 of 4 stars; one submission).

Conditions:
Hereditary coproporphyria (HCP). Also called: Hereditary coproporphyria porphyria; Porphyria hepatica coproporphyria; Porphyria hepatica II; CPRO deficiency; COPROPORPHYRINOGEN OXIDASE DEFICIENCY; CPO DEFICIENCY. Identifiers: Orphanet 79273, MedGen C0162531, MONDO:0007369, OMIM 121300.

Allele frequency attached by ClinVar (database versions not stated): gnomAD exomes 0.01253; gnomAD 0.02289 and 0.02330; TOPMed 0.02602; 1000 Genomes Project 30x 0.02920; 1000 Genomes Project 0.02995.
gnomAD v4.1: 14,170 of 995,704 alleles (1.4%); highest among the groups gnomAD compares: African/African-American, 4.9%; 182 homozygotes.

Submission:

Illumina Laboratory Services, Illumina
Classification: Benign for Hereditary coproporphyria. Last evaluated: 2018-01-12. Review status: criteria provided, single submitter. Criteria: ICSL Variant Classification Criteria 13 December 2019. Collection method: clinical testing. Allele origin: germline.
Comment: This variant was observed in the ICSL laboratory as part of a predisposition screen in an ostensibly healthy population. It had not been previously curated by ICSL or reported in the Human Gene Mutation Database (HGMD: prior to June 1st, 2018), and was therefore a candidate for classification through an automated scoring system. Utilizing variant allele frequency, disease prevalence and penetrance estimates, and inheritance mode, an automated score was calculated to assess if this variant is too frequent to cause the disease. Based on the score and internal cut-off values, a variant classified as benign is not then subjected to further curation. The score for this variant resulted in a classification of benign for this disease.